The following is an entry in ClinVar:

ClinVar aggregate classification (germline): Likely benign. Review status: criteria provided, multiple submitters, no conflicts (2 of 4 stars). 2 submissions from 2 submitters: Likely benign (2). Last evaluated 2025-01-01.

gnomAD v4.1: 104 of 1,613,872 alleles (0.0064%); highest among the groups gnomAD compares: Non-Finnish European, 0.0081%; no homozygotes.

Submissions (2):

CeGaT Center for Human Genetics Tuebingen
Classification: Likely benign. Last evaluated: 2025-01-01. Review status: criteria provided, single submitter. Criteria: CeGaT Center For Human Genetics Tuebingen Variant Classification Criteria Version 2. Collection method: clinical testing. Allele origin: germline. Affected: yes. Observed: 1 variant allele.
Comment: CACNA1E: BP4, BP7

Labcorp Genetics (formerly Invitae), Labcorp
Classification: Likely benign. Last evaluated: 2024-11-13. Review status: criteria provided, single submitter. Criteria: Invitae Variant Classification Sherloc (09022015). Collection method: clinical testing. Allele origin: germline.

NM_001205293.3(CACNA1E):c.1431G>T (p.Val477=)

Gene: CACNA1E (calcium voltage-gated channel subunit alpha1 E; plus strand). Cytogenetic location: 1q25.3.
Variant type: single nucleotide variant.
Coding change: c.1431G>T on transcript NM_001205293.3 (MANE Select); coding-DNA position 1431, G replaced by T.
Protein change: p.Val477=; no amino-acid change (valine 477 retained).
Molecular consequence: synonymous variant.
Genome position (GRCh38, 1-based): chr1:181,717,208, G>T. VCF-style: chr1-181717208-G-T. GRCh37 (hg19) VCF-style: chr1-181686344-G-T.
Other names: c.1431G>T, p.Val477= (NM_000721.4, NM_001205294.2).
Identifiers: ClinVar variation 3622196 (VCV003622196.15).
Genomic context (GRCh38, chr1:181,717,208, plus strand): 5'-TTTCCGGCACAAGGAAAGGCTTCTGCGCATCTCCATTCGCCACATGGTTAAATCCCAGGT[G>T]TTTTACTGGATTGTGCTGAGCCTTGTGGCACTCAACACTGCCTGTGTGGCCATTGTCCAT-3'
Protein context (NP_001192222.1, residues 467-487): ISIRHMVKSQ[Val477=]FYWIVLSLVA